The following is an entry in ClinVar:

ClinVar aggregate classification (germline): Uncertain significance (1 of 4 stars; one submission).

Submission:

Labcorp Genetics (formerly Invitae), Labcorp
Classification: Uncertain significance. Last evaluated: 2024-01-12. Review status: criteria provided, single submitter. Criteria: Invitae Variant Classification Sherloc (09022015). Collection method: clinical testing. Allele origin: germline.
Comment: This sequence change replaces alanine, which is neutral and non-polar, with threonine, which is neutral and polar, at codon 527 of the TRIM8 protein (p.Ala527Thr). This variant is not present in population databases (gnomAD no frequency). This variant has not been reported in the literature in individuals affected with TRIM8-related conditions. An algorithm developed to predict the effect of missense changes on protein structure and function (PolyPhen-2) suggests that this variant is likely to be tolerated. In summary, the available evidence is currently insufficient to determine the role of this variant in disease. Therefore, it has been classified as a Variant of Uncertain Significance.

NM_030912.3(TRIM8):c.1579G>A (p.Ala527Thr)

Gene: TRIM8 (tripartite motif containing 8; plus strand). Cytogenetic location: 10q24.32.
Variant type: single nucleotide variant.
Coding change: c.1579G>A on transcript NM_030912.3 (MANE Select); coding-DNA position 1579, G replaced by A.
Protein change: p.Ala527Thr; replaces alanine 527 with threonine.
Molecular consequence: missense variant. On other transcripts: non-coding transcript variant (1).
Genome position (GRCh38, 1-based): chr10:102,657,277, G>A. VCF-style: chr10-102657277-G-A. GRCh37 (hg19) VCF-style: chr10-104417034-G-A.
Other names: c.1483G>A, p.Ala495Thr (NM_001345950.1); short protein forms A527T, A495T.
Identifiers: ClinVar variation 2743103 (VCV002743103.3), dbSNP rs2492916617, ClinGen allele CA377933280.